The following is an entry in ClinVar:

NM_004006.3(DMD):c.5418T>G (p.Asn1806Lys)

Gene: DMD (dystrophin; minus strand). Cytogenetic location: Xp21.1.
Variant type: single nucleotide variant.
Coding change: c.5418T>G on transcript NM_004006.3 (MANE Select); coding-DNA position 5418, T replaced by G.
Protein change: p.Asn1806Lys; replaces asparagine 1806 with lysine.
Molecular consequence: missense variant.
Genome position (GRCh38, 1-based): chrX:32,348,436, A>C on the plus strand (T>G on the coding strand, the complement: DMD is on the minus strand). VCF-style: chrX-32348436-A-C. GRCh37 (hg19) VCF-style: chrX-32366553-A-C.
Other names: c.5394T>G, p.Asn1798Lys (NM_000109.4); c.5406T>G, p.Asn1802Lys (NM_004009.3); c.5049T>G, p.Asn1683Lys (NM_004010.3); c.1395T>G, p.Asn465Lys (NM_004011.4); c.1386T>G, p.Asn462Lys (NM_004012.4); short protein forms N1683K, N1798K, N1802K, N1806K, N462K, N465K.
Identifiers: ClinVar variation 3368079 (VCV003368079.1).

ClinVar aggregate classification (germline): Uncertain significance (1 of 4 stars; one submission).

Submission:

GeneDx
Classification: Uncertain significance. Last evaluated: 2024-01-24. Review status: criteria provided, single submitter. Criteria: GeneDx Variant Classification Process June 2021. Collection method: clinical testing. Allele origin: germline. Affected: yes.
Comment: Not observed at significant frequency in large population cohorts (gnomAD); In silico analysis supports that this missense variant has a deleterious effect on protein structure/function; Missense variant in a gene in which most reported pathogenic variants are truncating/loss of function; Has not been previously published as pathogenic or benign to our knowledge